The following is an entry in ClinVar:

NM_006563.5(KLF1):c.157G>A (p.Val53Met)

Gene: KLF1 (KLF transcription factor 1; minus strand). Cytogenetic location: 19p13.13.
Variant type: single nucleotide variant.
Coding change: c.157G>A on transcript NM_006563.5 (MANE Select); coding-DNA position 157, G replaced by A.
Protein change: p.Val53Met; replaces valine 53 with methionine.
Molecular consequence: missense variant.
Genome position (GRCh38, 1-based): chr19:12,886,073, C>T on the plus strand (G>A on the coding strand, the complement: KLF1 is on the minus strand). VCF-style: chr19-12886073-C-T. GRCh37 (hg19) VCF-style: chr19-12996887-C-T.
Other names: short protein forms V53M.
Identifiers: ClinVar variation 3604718 (VCV003604718.2).

ClinVar aggregate classification (germline): Uncertain significance (1 of 4 stars; one submission).

Submission:

Labcorp Genetics (formerly Invitae), Labcorp
Classification: Uncertain significance. Last evaluated: 2024-10-08. Review status: criteria provided, single submitter. Criteria: Invitae Variant Classification Sherloc (09022015). Collection method: clinical testing. Allele origin: germline.
Comment: This sequence change replaces valine, which is neutral and non-polar, with methionine, which is neutral and non-polar, at codon 53 of the KLF1 protein (p.Val53Met). The frequency data for this variant in the population databases is considered unreliable, as metrics indicate poor data quality at this position in the gnomAD database. This variant has not been reported in the literature in individuals affected with KLF1-related conditions. Invitae Evidence Modeling of protein sequence and biophysical properties (such as structural, functional, and spatial information, amino acid conservation, physicochemical variation, residue mobility, and thermodynamic stability) indicates that this missense variant is not expected to disrupt KLF1 protein function with a negative predictive value of 80%. In summary, the available evidence is currently insufficient to determine the role of this variant in disease. Therefore, it has been classified as a Variant of Uncertain Significance.